The following is an entry in ClinVar:

ClinVar aggregate classification (germline): Conflicting classifications of pathogenicity. Review status: criteria provided, conflicting classifications (1 of 4 stars). 2 submissions from 2 submitters: Uncertain significance (1); Likely benign (1). Last evaluated 2025-12-22.

Conditions:
Fibrous dysplasia of jaw (CRBM). Also called: Cherubism. Identifiers: Orphanet 184, MedGen C0008029, MONDO:0007315, OMIM 118400.

Allele frequency attached by ClinVar (database versions not stated): 1000 Genomes Project 30x 0.00016; 1000 Genomes Project 0.00020.

Submissions (2):

Labcorp Genetics (formerly Invitae), Labcorp
Classification: Uncertain significance for Fibrous dysplasia of jaw. Last evaluated: 2025-12-22. Review status: criteria provided, single submitter. Criteria: Invitae Variant Classification Sherloc (09022015). Collection method: clinical testing. Allele origin: germline.
Comment: This sequence change replaces arginine, which is basic and polar, with tryptophan, which is neutral and slightly polar, at codon 263 of the SH3BP2 protein (p.Arg263Trp). This variant is present in population databases (rs539765774, gnomAD 0.02%). This variant has not been reported in the literature in individuals affected with SH3BP2-related conditions. ClinVar contains an entry for this variant (Variation ID: 1350958). Invitae Evidence Modeling of protein sequence and biophysical properties (such as structural, functional, and spatial information, amino acid conservation, physicochemical variation, residue mobility, and thermodynamic stability) indicates that this missense variant is not expected to disrupt SH3BP2 protein function with a negative predictive value of 80%. In summary, the available evidence is currently insufficient to determine the role of this variant in disease. Therefore, it has been classified as a Variant of Uncertain Significance.

Blueprint Genetics
Classification: Likely benign. Last evaluated: 2022-08-17. Review status: criteria provided, single submitter. Criteria: ACMG Guidelines, 2015. Collection method: clinical testing. Allele origin: germline.

NM_001122681.2(SH3BP2):c.787C>T (p.Arg263Trp)

Gene: SH3BP2 (SH3 domain binding protein 2; plus strand). Cytogenetic location: 4p16.3.
Variant type: single nucleotide variant.
Coding change: c.787C>T on transcript NM_001122681.2 (MANE Select); coding-DNA position 787, C replaced by T.
Protein change: p.Arg263Trp; replaces arginine 263 with tryptophan.
Molecular consequence: missense variant.
Genome position (GRCh38, 1-based): chr4:2,829,693, C>T. VCF-style: chr4-2829693-C-T. GRCh37 (hg19) VCF-style: chr4-2831420-C-T.
Other names: c.871C>T, p.Arg291Trp (NM_001145855.2); c.958C>T, p.Arg320Trp (NM_001145856.2); c.787C>T, p.Arg263Trp (NM_003023.4); short protein forms R263W, R291W, R320W.
Identifiers: ClinVar variation 1350958 (VCV001350958.9), dbSNP rs539765774, ClinGen allele CA2819316.
Genomic context (GRCh38, chr4:2,829,693, plus strand): 5'-GGCCTCCCAGATGTTGGCCTGGCTGCTGAGGACTCCAAGAGGGACCCACTGTGCCCGAGG[C>T]GGGCTGAGCCTTGCCCCAGGGTACCTGCTACCCCCCGAAGGATGAGCGATCCCCCTCTGA-3'
Protein context (NP_001116153.1, residues 253-273): DSKRDPLCPR[Arg263Trp]AEPCPRVPAT